The following is an entry in ClinVar:

NM_000382.3(ALDH3A2):c.129G>A (p.Thr43=)

Gene: ALDH3A2 (aldehyde dehydrogenase 3 family member A2; plus strand). Cytogenetic location: 17p11.2.
Variant type: single nucleotide variant.
Coding change: c.129G>A on transcript NM_000382.3 (MANE Select); coding-DNA position 129, G replaced by A.
Protein change: p.Thr43=; no amino-acid change (threonine 43 retained).
Molecular consequence: synonymous variant. On other transcripts: 5 prime UTR variant (1).
Genome position (GRCh38, 1-based): chr17:19,649,100, G>A. VCF-style: chr17-19649100-G-A. GRCh37 (hg19) VCF-style: chr17-19552413-G-A.
Other names: c.129G>A, p.Thr43= (NM_001031806.2, NM_001369136.1, NM_001369137.2 and 3 more transcripts); c.-560G>A (NM_001369148.2); c.129G>A (NM_000382.2).
Identifiers: ClinVar variation 1117224 (VCV001117224.10), dbSNP rs762854937, ClinGen allele CA8442723.

ClinVar aggregate classification (germline): Likely benign. Review status: criteria provided, multiple submitters, no conflicts (2 of 4 stars). 3 submissions from 3 submitters: Likely benign (2). 1 of the submissions does not count toward it. Last evaluated 2025-07-14.

Conditions:
ALDH3A2-related disorder. Also called: ALDH3A2-related condition.

Allele frequency attached by ClinVar (database versions not stated): gnomAD exomes 0.00002; TOPMed 0.00002; gnomAD 0.00003.
gnomAD v4.1: 33 of 1,577,718 alleles (0.0021%); highest among the groups gnomAD compares: Non-Finnish European, 0.0027%; no homozygotes.

Submissions (3):

Labcorp Genetics (formerly Invitae), Labcorp
Classification: Likely benign. Last evaluated: 2025-07-14. Review status: criteria provided, single submitter. Criteria: Invitae Variant Classification Sherloc (09022015). Collection method: clinical testing. Allele origin: germline.

Blueprint Genetics
Classification: Likely benign. Last evaluated: 2022-09-26. Review status: criteria provided, single submitter. Criteria: ACMG Guidelines, 2015. Collection method: clinical testing. Allele origin: germline.

PreventionGenetics, part of Exact Sciences
Classification: Likely benign for ALDH3A2-related condition. Last evaluated: 2021-05-26. Review status: no assertion criteria provided. Collection method: clinical testing. Allele origin: germline. Not counted in ClinVar's aggregate classification.
Comment: This variant is classified as likely benign based on ACMG/AMP sequence variant interpretation guidelines (Richards et al. 2015 PMID: 25741868, with internal and published modifications).